The following is an entry in ClinVar:

ClinVar aggregate classification (germline): Benign/Likely benign. Review status: criteria provided, multiple submitters, no conflicts (2 of 4 stars). 8 submissions from 7 submitters: Benign (1); Likely benign (4). 3 of the submissions do not count toward it. Last evaluated 2026-01-02.

Conditions:
TNFRSF11A-related disorder. Also called: TNFRSF11A-related condition.
Autosomal recessive osteopetrosis 7. Identifiers: Orphanet 178389, MedGen C2676766, MONDO:0012859, OMIM 612301.
Paget disease of bone 2, early-onset (PDB2). Also called: Paget disease of bone 2. Identifiers: MedGen C4085251, MONDO:0011183, OMIM 602080.

Allele frequency attached by ClinVar (database versions not stated): gnomAD exomes 0.00027 and 0.00067; ExAC 0.00077; ESP Exome Variant Server 0.00223; gnomAD 0.00230 and 0.00239; TOPMed 0.00277; 1000 Genomes Project 0.00379; 1000 Genomes Project 30x 0.00406.
gnomAD v4.1: 752 of 1,613,368 alleles (0.047%); highest among the groups gnomAD compares: African/African-American, 0.86%; 3 homozygotes.

Submissions (8):

Labcorp Genetics (formerly Invitae), Labcorp
Classification: Benign. Last evaluated: 2026-01-02. Review status: criteria provided, single submitter. Criteria: Invitae Variant Classification Sherloc (09022015). Collection method: clinical testing. Allele origin: germline.

Blueprint Genetics
Classification: Likely benign. Last evaluated: 2024-11-07. Review status: criteria provided, single submitter. Criteria: ACMG Guidelines, 2015. Collection method: clinical testing. Allele origin: germline.

Illumina Laboratory Services, Illumina
Classification: Likely benign for Paget disease of bone 2, early-onset. Last evaluated: 2018-01-12. Review status: criteria provided, single submitter. Criteria: ICSL Variant Classification Criteria 13 December 2019. Collection method: clinical testing. Allele origin: germline.
Comment: This variant was observed in the ICSL laboratory as part of a predisposition screen in an ostensibly healthy population. It had not been previously curated by ICSL or reported in the Human Gene Mutation Database (HGMD: prior to June 1st, 2018), and was therefore a candidate for classification through an automated scoring system. Utilizing variant allele frequency, disease prevalence and penetrance estimates, and inheritance mode, an automated score was calculated to assess if this variant is too frequent to cause the disease. Based on the score and internal cut-off values, a variant classified as likely benign is not then subjected to further curation. The score for this variant resulted in a classification of likely benign for this disease.

Illumina Laboratory Services, Illumina
Classification: Likely benign for Autosomal recessive osteopetrosis 7. Last evaluated: 2018-01-12. Review status: criteria provided, single submitter. Criteria: ICSL Variant Classification Criteria 13 December 2019. Collection method: clinical testing. Allele origin: germline.
Comment: the same text as in the submission from Illumina Laboratory Services, Illumina above.

Breakthrough Genomics
Classification: Likely benign. Review status: criteria provided, single submitter. Criteria: ACMG Guidelines, 2015. Collection method: not provided. Allele origin: germline. Inheritance: Autosomal recessive inheritance. Affected: yes.

PreventionGenetics, part of Exact Sciences
Classification: Benign for TNFRSF11A-related condition. Last evaluated: 2019-02-18. Review status: no assertion criteria provided. Collection method: clinical testing. Allele origin: germline. Not counted in ClinVar's aggregate classification.
Comment: This variant is classified as benign based on ACMG/AMP sequence variant interpretation guidelines (Richards et al. 2015 PMID: 25741868, with internal and published modifications).

Clinical Genetics DNA and cytogenetics Diagnostics Lab, Erasmus MC, Erasmus Medical Center
Classification: Likely benign. Review status: no assertion criteria provided. Collection method: clinical testing. Allele origin: germline. Affected: yes. Study: VKGL Data-share Consensus. Not counted in ClinVar's aggregate classification.

Genome Diagnostics Laboratory, University Medical Center Utrecht
Classification: Likely benign. Review status: no assertion criteria provided. Collection method: clinical testing. Allele origin: germline. Affected: yes. Study: VKGL Data-share Consensus. Not counted in ClinVar's aggregate classification.

NM_003839.4(TNFRSF11A):c.1348C>T (p.Arg450Trp)

Gene: TNFRSF11A (TNF receptor superfamily member 11a; plus strand). Cytogenetic location: 18q21.33.
Variant type: single nucleotide variant.
Coding change: c.1348C>T on transcript NM_003839.4 (MANE Select); coding-DNA position 1348, C replaced by T.
Protein change: p.Arg450Trp; replaces arginine 450 with tryptophan.
Molecular consequence: missense variant. On other transcripts: intron variant (3).
Genome position (GRCh38, 1-based): chr18:62,369,265, C>T. VCF-style: chr18-62369265-C-T. GRCh37 (hg19) VCF-style: chr18-60036498-C-T.
Other names: c.1306C>T, p.Arg436Trp (NM_001278268.2); c.783+2505C>T (NM_001270949.2); c.730+7472C>T (NM_001270950.2); c.616+9216C>T (NM_001270951.2); short protein forms R436W, R450W.
Identifiers: ClinVar variation 781416 (VCV000781416.20), dbSNP rs34945627, ClinGen allele CA501010.